The following is an entry in ClinVar:

NM_000936.4(PNLIP):c.818G>A (p.Arg273Gln)

Gene: PNLIP (pancreatic lipase; plus strand). Cytogenetic location: 10q25.3.
Variant type: single nucleotide variant.
Coding change: c.818G>A on transcript NM_000936.4 (MANE Select); coding-DNA position 818, G replaced by A.
Protein change: p.Arg273Gln; replaces arginine 273 with glutamine.
Molecular consequence: missense variant.
Genome position (GRCh38, 1-based): chr10:116,556,006, G>A. VCF-style: chr10-116556006-G-A. GRCh37 (hg19) VCF-style: chr10-118315518-G-A.
Other names: short protein forms R273Q.
Identifiers: ClinVar variation 2872383 (VCV002872383.2), dbSNP rs745727766, ClinGen allele CA5706614.

ClinVar aggregate classification (germline): Uncertain significance (1 of 4 stars; one submission).

Allele frequency attached by ClinVar (database versions not stated): gnomAD 0.00001; TOPMed 0.00002; ExAC 0.00003; gnomAD exomes 0.00001.
gnomAD v4.1: 17 of 1,603,610 alleles (0.0011%); highest among the groups gnomAD compares: Admixed American, 0.0017%; no homozygotes.

Submission:

Labcorp Genetics (formerly Invitae), Labcorp
Classification: Uncertain significance. Last evaluated: 2025-08-15. Review status: criteria provided, single submitter. Criteria: Invitae Variant Classification Sherloc (09022015). Collection method: clinical testing. Allele origin: germline.
Comment: This sequence change replaces arginine, which is basic and polar, with glutamine, which is neutral and polar, at codon 273 of the PNLIP protein (p.Arg273Gln). This variant is present in population databases (rs745727766, gnomAD 0.002%). This variant has not been reported in the literature in individuals affected with PNLIP-related conditions. ClinVar contains an entry for this variant (Variation ID: 2872383). Invitae Evidence Modeling of protein sequence and biophysical properties (such as structural, functional, and spatial information, amino acid conservation, physicochemical variation, residue mobility, and thermodynamic stability) indicates that this missense variant is not expected to disrupt PNLIP protein function with a negative predictive value of 80%. In summary, the available evidence is currently insufficient to determine the role of this variant in disease. Therefore, it has been classified as a Variant of Uncertain Significance.